The following is an entry in ClinVar:

NM_013352.4(DSE):c.230C>T (p.Thr77Met)

Gene: DSE (dermatan sulfate epimerase; plus strand). Cytogenetic location: 6q22.1.
Variant type: single nucleotide variant.
Coding change: c.230C>T on transcript NM_013352.4 (MANE Select); coding-DNA position 230, C replaced by T.
Protein change: p.Thr77Met; replaces threonine 77 with methionine.
Molecular consequence: missense variant. On other transcripts: 5 prime UTR variant (4), non-coding transcript variant (1).
Genome position (GRCh38, 1-based): chr6:116,399,480, C>T. VCF-style: chr6-116399480-C-T. GRCh37 (hg19) VCF-style: chr6-116720643-C-T.
Other names: c.230C>T, p.Thr77Met (NM_001080976.3, NM_001322937.2, NM_001322938.2 and 3 more transcripts); c.287C>T, p.Thr96Met (NM_001322939.2); c.-328C>T (NM_001322940.2, NM_001322941.2); c.-671C>T (NM_001374520.1); c.-358C>T (NM_001374521.1); c.230C>T (NM_013352.2); short protein forms T96M, T77M.
Identifiers: ClinVar variation 2044761 (VCV002044761.3), dbSNP rs150685110, ClinGen allele CA146391173.

ClinVar aggregate classification (germline): Uncertain significance. Review status: criteria provided, multiple submitters, no conflicts (2 of 4 stars). 3 submissions from 3 submitters: Uncertain significance (3). Last evaluated 2026-06-02.

Conditions:
Inborn genetic diseases. Identifiers: MedGen C0950123, MeSH D030342.
Ehlers-Danlos syndrome, musculocontractural type 2 (EDSMC2). Identifiers: Orphanet 2953, MedGen C3809845, MONDO:0014236, OMIM 615539.

Allele frequency attached by ClinVar (database versions not stated): TOPMed 0.00003; gnomAD exomes 0.00002; ESP Exome Variant Server 0.00008; gnomAD 0.00003.
gnomAD v4.1: 26 of 1,614,110 alleles (0.0016%); highest among the groups gnomAD compares: South Asian, 0.0044%; no homozygotes.

Submissions (3):

Women's Health and Genetics/Laboratory Corporation of America, LabCorp
Classification: Uncertain significance. Last evaluated: 2026-06-02. Review status: criteria provided, single submitter. Criteria: LabCorp Variant Classification Summary - May 2015. Collection method: clinical testing. Allele origin: germline.
Comment: Variant summary: DSE c.230C>T (p.Thr77Met) results in a non-conservative amino acid change in the encoded protein sequence. Algorithms developed to predict the effect of missense changes on protein structure and function are either unavailable or do not agree on the potential impact of this missense change. The variant allele was found at a frequency of 1.6e-05 in 251424 control chromosomes. The available data on variant occurrences in the general population are insufficient to allow any conclusion about variant significance. To our knowledge, no occurrence of c.230C>T in individuals affected with DSE-related conditions and no experimental evidence demonstrating its impact on protein function have been reported. ClinVar contains an entry for this variant (Variation ID: 2044761). Based on the evidence outlined above, the variant was classified as uncertain significance.

Ambry Genetics
Classification: Uncertain significance for Inborn genetic diseases. Last evaluated: 2024-04-12. Review status: criteria provided, single submitter. Criteria: Ambry Variant Classification Scheme 2023. Collection method: clinical testing. Allele origin: germline.

Labcorp Genetics (formerly Invitae), Labcorp
Classification: Uncertain significance for Ehlers-Danlos syndrome, musculocontractural type 2. Last evaluated: 2022-07-02. Review status: criteria provided, single submitter. Criteria: Invitae Variant Classification Sherloc (09022015). Collection method: clinical testing. Allele origin: germline.
Comment: This sequence change replaces threonine, which is neutral and polar, with methionine, which is neutral and non-polar, at codon 77 of the DSE protein (p.Thr77Met). This variant is present in population databases (rs150685110, gnomAD 0.003%). This variant has not been reported in the literature in individuals affected with DSE-related conditions. Algorithms developed to predict the effect of missense changes on protein structure and function are either unavailable or do not agree on the potential impact of this missense change (SIFT: "Not Available"; PolyPhen-2: "Benign"; Align-GVGD: "Not Available"). In summary, the available evidence is currently insufficient to determine the role of this variant in disease. Therefore, it has been classified as a Variant of Uncertain Significance.